The following is an entry in ClinVar:

ClinVar aggregate classification (germline): Uncertain significance (1 of 4 stars; one submission).

Conditions:
Cardiovascular phenotype. Identifiers: MedGen CN230736.

Submission:

Ambry Genetics
Classification: Uncertain significance for Cardiovascular phenotype. Last evaluated: 2024-04-27. Review status: criteria provided, single submitter. Criteria: Ambry Variant Classification Scheme 2023. Collection method: clinical testing. Allele origin: germline.
Comment: The p.K630R variant (also known as c.1889A>G), located in coding exon 6 of the HCN4 gene, results from an A to G substitution at nucleotide position 1889. The lysine at codon 630 is replaced by arginine, an amino acid with highly similar properties. This amino acid position is conserved. In addition, the in silico prediction for this alteration is inconclusive. Based on the available evidence, the clinical significance of this variant remains unclear.

NM_005477.3(HCN4):c.1889A>G (p.Lys630Arg)

Gene: HCN4 (hyperpolarization activated cyclic nucleotide gated potassium channel 4; minus strand). Cytogenetic location: 15q24.1.
Variant type: single nucleotide variant.
Coding change: c.1889A>G on transcript NM_005477.3 (MANE Select); coding-DNA position 1889, A replaced by G.
Protein change: p.Lys630Arg; replaces lysine 630 with arginine.
Molecular consequence: missense variant.
Genome position (GRCh38, 1-based): chr15:73,325,044, T>C on the plus strand (A>G on the coding strand, the complement: HCN4 is on the minus strand). VCF-style: chr15-73325044-T-C. GRCh37 (hg19) VCF-style: chr15-73617385-T-C.
Other names: short protein forms K630R.
Identifiers: ClinVar variation 3283660 (VCV003283660.1).